The following is an entry in ClinVar:

NM_001267550.2(TTN):c.82843del (p.Asp27615fs)

Genes: TTN-AS1 (TTN antisense RNA 1; plus strand), TTN (titin; minus strand). Cytogenetic location: 2q31.2.
Variant type: Deletion.
Coding change: c.82843del on transcript NM_001267550.2 (MANE Select); coding-DNA position 82843, one base deleted (G; older notation c.82843delG).
Protein change: p.Asp27615fs; shifts the reading frame from aspartic acid 27615.
Molecular consequence: frameshift variant.
Genome position (GRCh38, 1-based): chr2:178,563,289, C deleted on the plus strand (G on the coding strand, the reverse complement: TTN is on the minus strand); the first of 2 consecutive C bases (chr2:178,563,289-178,563,290); deleting either gives the same sequence. VCF-style (leftmost placement, unchanged base first): chr2-178563288-TC-T. GRCh37 (hg19) VCF-style: chr2-179428015-TC-T.
Other names: c.77920del, p.Asp25974fs (NM_001256850.1); c.55648del, p.Asp18550fs (NM_003319.4); c.75139del, p.Asp25047fs (NM_133378.4); c.56023del, p.Asp18675fs (NM_133432.3); c.56224del, p.Asp18742fs (NM_133437.4); short protein forms D25047fs, D25974fs, D18550fs, D27615fs, D18742fs, D18675fs.
Identifiers: ClinVar variation 2948372 (VCV002948372.3), dbSNP rs2468156828, ClinGen allele CA2740095910.

ClinVar aggregate classification (germline): Likely pathogenic (1 of 4 stars; one submission).

Conditions:
Dilated cardiomyopathy 1G (CMD1G). Identifiers: Orphanet 154, MedGen C1858763, MONDO:0011400, OMIM 604145.
Autosomal recessive limb-girdle muscular dystrophy type 2J (LGMDR10). Also called: Limb-girdle muscular dystrophy, type 2J; MUSCULAR DYSTROPHY, LIMB-GIRDLE, AUTOSOMAL RECESSIVE 10. Identifiers: Orphanet 140922, MedGen C1837342, MONDO:0012127, OMIM 608807.

Submission:

Labcorp Genetics (formerly Invitae), Labcorp
Classification: Likely pathogenic for Dilated cardiomyopathy 1G; Autosomal recessive limb-girdle muscular dystrophy type 2J. Last evaluated: 2025-09-14. Review status: criteria provided, single submitter. Criteria: Invitae Variant Classification Sherloc (09022015). Collection method: clinical testing. Allele origin: germline.
Comment: This sequence change creates a premature translational stop signal (p.Asp27615Metfs*19) in the TTN gene. While this is not anticipated to result in nonsense mediated decay, it is expected to create a truncated TTN protein. This variant is not present in population databases (gnomAD no frequency). This variant has not been reported in the literature in individuals affected with TTN-related conditions. ClinVar contains an entry for this variant (Variation ID: 2948372). This variant is located in the A band of TTN (PMID: 25589632). Truncating variants in this region are significantly overrepresented in patients affected with dilated cardiomyopathy (PMID: 25589632). Truncating variants in this region have also been reported in individuals affected with autosomal recessive centronuclear myopathy (PMID: 23975875). In summary, the currently available evidence indicates that the variant is pathogenic, but additional data are needed to prove that conclusively. Therefore, this variant has been classified as Likely Pathogenic.

Literature cited by the submitters: PubMed 25589632; PubMed 23975875.